The following is an entry in ClinVar:

ClinVar aggregate classification (germline): Uncertain significance (1 of 4 stars; one submission).

Allele frequency attached by ClinVar (database versions not stated): TOPMed 0.00001; ExAC 0.00001; gnomAD 0.00001; ESP Exome Variant Server 0.00008.
gnomAD v4.1: 5 of 1,614,100 alleles (0.00031%); highest among the groups gnomAD compares: African/African-American, 0.0027%; no homozygotes.

Submission:

GeneDx
Classification: Uncertain significance. Last evaluated: 2020-02-20. Review status: criteria provided, single submitter. Criteria: GeneDx Variant Classification Process June 2021. Collection method: clinical testing. Allele origin: germline. Affected: yes.
Comment: Not observed at a significant frequency in large population cohorts (Lek et al., 2016); In silico analysis supports that this missense variant has a deleterious effect on protein structure/function; Has not been previously published as pathogenic or benign to our knowledge

NM_005422.4(TECTA):c.3971A>G (p.Tyr1324Cys)

Genes: TBCEL-TECTA (TBCEL-TECTA readthrough; plus strand), TECTA (tectorin alpha; plus strand). Cytogenetic location: 11q23.3.
Variant type: single nucleotide variant.
Coding change: c.3971A>G on transcript NM_005422.4 (MANE Select); coding-DNA position 3971, A replaced by G.
Protein change: p.Tyr1324Cys; replaces tyrosine 1324 with cysteine.
Molecular consequence: missense variant.
Genome position (GRCh38, 1-based): chr11:121,145,982, A>G. VCF-style: chr11-121145982-A-G. GRCh37 (hg19) VCF-style: chr11-121016691-A-G.
Other names: c.4928A>G, p.Tyr1643Cys (NM_001378761.1); short protein forms Y1324C, Y1643C.
Identifiers: ClinVar variation 1315466 (VCV001315466.2), dbSNP rs143871832, ClinGen allele CA6327321.